The following is an entry in ClinVar:

ClinVar aggregate classification (germline): Likely benign. Review status: criteria provided, multiple submitters, no conflicts (2 of 4 stars). 4 submissions from 4 submitters: Likely benign (4). Last evaluated 2026-05-17.

Conditions:
Wilson disease (WND). Also called: Wilson's disease. Identifiers: Orphanet 905, MedGen C0019202, MONDO:0010200, OMIM 277900. Disease mechanism: loss of function.
Inborn genetic diseases. Identifiers: MedGen C0950123, MeSH D030342.

Allele frequency attached by ClinVar (database versions not stated): gnomAD exomes 0.00002 and 0.00001; TOPMed 0.00002; gnomAD 0.00001.
gnomAD v4.1: 25 of 1,613,984 alleles (0.0015%); highest among the groups gnomAD compares: Non-Finnish European, 0.0021%; no homozygotes.

Submissions (4):

Ambry Genetics
Classification: Likely benign for Inborn genetic diseases. Last evaluated: 2026-05-17. Review status: criteria provided, single submitter. Criteria: Ambry Variant Classification Scheme 2023. Collection method: clinical testing. Allele origin: germline.

Labcorp Genetics (formerly Invitae), Labcorp
Classification: Likely benign for Wilson disease. Last evaluated: 2026-01-17. Review status: criteria provided, single submitter. Criteria: Invitae Variant Classification Sherloc (09022015). Collection method: clinical testing. Allele origin: germline.

All of Us Research Program, National Institutes of Health
Classification: Likely benign for Wilson disease. Last evaluated: 2024-03-14. Review status: criteria provided, single submitter. Criteria: ACMG Guidelines, 2015. Collection method: clinical testing. Allele origin: germline. Inheritance: Autosomal recessive inheritance. Observed: 3 variant alleles, 3 heterozygotes.
Comment: This study involves interpretation of variants in research participants for the purpose of population health screening. Participant phenotype was not available at the time of variant classification. Additional details can be found in publication PMID: 35346344, PMCID: PMC8962531

Color Diagnostics, LLC DBA Color Health
Classification: Likely benign for Wilson disease. Last evaluated: 2022-04-22. Review status: criteria provided, single submitter. Criteria: ACMG Guidelines, 2015. Collection method: clinical testing. Allele origin: germline.

NM_000053.4(ATP7B):c.2568C>T (p.Leu856=)

Gene: ATP7B (ATPase copper transporting beta; minus strand). Cytogenetic location: 13q14.3.
Variant type: single nucleotide variant.
Coding change: c.2568C>T on transcript NM_000053.4 (MANE Select); coding-DNA position 2568, C replaced by T.
Protein change: p.Leu856=; no amino-acid change (leucine 856 retained).
Molecular consequence: synonymous variant.
Genome position (GRCh38, 1-based): chr13:51,950,279, G>A on the plus strand (C>T on the coding strand, the complement: ATP7B is on the minus strand). VCF-style: chr13-51950279-G-A. GRCh37 (hg19) VCF-style: chr13-52524415-G-A.
Other names: c.2568C>T (NM_000053.3); c.2082C>T, p.Leu694= (NM_001005918.3); c.2235C>T, p.Leu745= (NM_001243182.2); c.2334C>T, p.Leu778= (NM_001330578.2); c.2316C>T, p.Leu772= (NM_001330579.2).
Identifiers: ClinVar variation 1092746 (VCV001092746.12), dbSNP rs1459783348, ClinGen allele CA483895728.